The following is an entry in ClinVar:

ClinVar aggregate classification (germline): Benign (1 of 4 stars; one submission).

Submission:

GeneDx
Classification: Benign. Last evaluated: 2018-06-14. Review status: criteria provided, single submitter. Criteria: GeneDx Variant Classification (06012015). Collection method: clinical testing. Allele origin: germline. Affected: yes.
Comment: This variant is considered likely benign or benign based on one or more of the following criteria: it is a conservative change, it occurs at a poorly conserved position in the protein, it is predicted to be benign by multiple in silico algorithms, and/or has population frequency not consistent with disease.

NM_001849.4(COL6A2):c.1332+277_1332+278del

Gene: COL6A2 (collagen type VI alpha 2 chain; plus strand). Cytogenetic location: 21q22.3.
Variant type: Deletion.
Coding change: c.1332+277_1332+278del on transcript NM_001849.4 (MANE Select); bases 277 to 278 of the intron after coding-DNA position 1332, 2 bases deleted (CC; older notation c.1332+277_1332+278delCC).
Molecular consequence: intron variant.
Genome position (GRCh38, 1-based): chr21:46,120,127-46,120,128, CC deleted; deleting any 2 consecutive bases within chr21:46,120,124-46,120,128 gives the same sequence; the c. name uses the placement nearest the transcript's 3' end. VCF-style (leftmost placement, unchanged base first): chr21-46120123-GCC-G. GRCh37 (hg19) VCF-style: chr21-47540037-GCC-G.
Other names: c.1332+277_1332+278del (NM_058175.3, NM_058174.3).
Identifiers: ClinVar variation 672469 (VCV000672469.1), dbSNP rs3831408, ClinGen allele CA321966337.